The following is an entry in ClinVar:

ClinVar aggregate classification (germline): Likely benign (1 of 4 stars; one submission).

Allele frequency attached by ClinVar (database versions not stated): 1000 Genomes Project 30x 0.00234; 1000 Genomes Project 0.00240; ESP Exome Variant Server 0.00423; ExAC 0.00468; gnomAD 0.00481; TOPMed 0.00533; gnomAD exomes 0.00700.
gnomAD v4.1: 10,974 of 1,613,218 alleles (0.68%); highest among the groups gnomAD compares: Non-Finnish European, 0.83%; 65 homozygotes.

Submission:

CeGaT Center for Human Genetics Tuebingen
Classification: Likely benign. Last evaluated: 2026-08-01. Review status: criteria provided, single submitter. Criteria: CeGaT Center For Human Genetics Tuebingen Variant Classification Criteria Version 2. Collection method: clinical testing. Allele origin: germline. Affected: yes. Observed: 2 variant alleles.
Comment: CROCC: BP4, BS2

NM_014675.5(CROCC):c.5237G>A (p.Arg1746Gln)

Gene: CROCC (ciliary rootlet coiled-coil, rootletin; plus strand). Cytogenetic location: 1p36.13.
Variant type: single nucleotide variant.
Coding change: c.5237G>A on transcript NM_014675.5 (MANE Select); coding-DNA position 5237, G replaced by A.
Protein change: p.Arg1746Gln; replaces arginine 1746 with glutamine.
Molecular consequence: missense variant.
Genome position (GRCh38, 1-based): chr1:16,969,276, G>A. VCF-style: chr1-16969276-G-A. GRCh37 (hg19) VCF-style: chr1-17295771-G-A.
Other names: short protein forms R1746Q.
Identifiers: ClinVar variation 2638382 (VCV002638382.24), dbSNP rs139786167, ClinGen allele CA635853.